The following is an entry in ClinVar:

NM_147127.5(EVC2):c.2925G>A (p.Ala975=)

Gene: EVC2 (EvC ciliary complex subunit 2; minus strand). Cytogenetic location: 4p16.2.
Variant type: single nucleotide variant.
Coding change: c.2925G>A on transcript NM_147127.5 (MANE Select); coding-DNA position 2925, G replaced by A.
Protein change: p.Ala975=; no amino-acid change (alanine 975 retained).
Molecular consequence: synonymous variant.
Genome position (GRCh38, 1-based): chr4:5,584,755, C>T on the plus strand (G>A on the coding strand, the complement: EVC2 is on the minus strand). VCF-style: chr4-5584755-C-T. GRCh37 (hg19) VCF-style: chr4-5586482-C-T.
Other names: c.2685G>A, p.Ala895= (NM_001166136.2).
Identifiers: ClinVar variation 795708 (VCV000795708.27), dbSNP rs760612784, ClinGen allele CA2834521.

ClinVar aggregate classification (germline): Likely benign. Review status: criteria provided, multiple submitters, no conflicts (2 of 4 stars). 2 submissions from 2 submitters: Likely benign (2). Last evaluated 2024-07-01.

Conditions:
Ellis-van Creveld syndrome (EVC). Also called: MESOECTODERMAL DYSPLASIA; Chondroectodermal dysplasia. Identifiers: Orphanet 289, MedGen C0013903, MONDO:0009162, OMIM 225500.
Curry-Hall syndrome (WAD). Also called: WEYERS ACRODENTAL DYSOSTOSIS. Identifiers: Orphanet 952, MedGen C0457013, MONDO:0008673, OMIM 193530.

Allele frequency attached by ClinVar (database versions not stated): gnomAD exomes below 0.00001 and 0.00001; TOPMed below 0.00001; ExAC 0.00002.
gnomAD v4.1: 5 of 1,614,152 alleles (0.00031%); highest among the groups gnomAD compares: East Asian, 0.0022%; no homozygotes.

Submissions (2):

CeGaT Center for Human Genetics Tuebingen
Classification: Likely benign. Last evaluated: 2024-07-01. Review status: criteria provided, single submitter. Criteria: CeGaT Center For Human Genetics Tuebingen Variant Classification Criteria Version 2. Collection method: clinical testing. Allele origin: germline. Affected: yes. Observed: 1 variant allele.
Comment: EVC2: BP4, BP7

Labcorp Genetics (formerly Invitae), Labcorp
Classification: Likely benign for Curry-Hall syndrome; Ellis-van Creveld syndrome. Last evaluated: 2023-09-22. Review status: criteria provided, single submitter. Criteria: Invitae Variant Classification Sherloc (09022015). Collection method: clinical testing. Allele origin: germline.